The following is an entry in ClinVar:

ClinVar aggregate classification (germline): Uncertain significance (1 of 4 stars; one submission).

Submission:

GeneDx
Classification: Uncertain significance. Last evaluated: 2026-04-17. Review status: criteria provided, single submitter. Criteria: GeneDx Variant Classification Process June 2021. Collection method: clinical testing. Allele origin: germline.
Comment: Not observed at significant frequency in large population cohorts (gnomAD); In silico analysis suggests that this missense variant does not alter protein structure/function; Has not been previously published as pathogenic or benign to our knowledge

NM_018896.5(CACNA1G):c.5857C>A (p.Leu1953Met)

Gene: CACNA1G (calcium voltage-gated channel subunit alpha1 G; plus strand). Cytogenetic location: 17q21.33.
Variant type: single nucleotide variant.
Coding change: c.5857C>A on transcript NM_018896.5 (MANE Select); coding-DNA position 5857, C replaced by A.
Protein change: p.Leu1953Met; replaces leucine 1953 with methionine.
Molecular consequence: missense variant. On other transcripts: intron variant (20).
Genome position (GRCh38, 1-based): chr17:50,619,758, C>A. VCF-style: chr17-50619758-C-A. GRCh37 (hg19) VCF-style: chr17-48697119-C-A.
Other names: c.5755C>A, p.Leu1919Met (NM_198396.3, NM_198379.3); c.5802+750C>A (NM_001256325.2); c.5748+750C>A (NM_198378.3, NM_001256334.2); c.5781+750C>A (NM_198384.3, NM_001256333.2); c.5760+750C>A (NM_001256327.2); c.5727+750C>A (NM_198386.3); c.5706+750C>A (NM_001256328.2); c.5673+750C>A (NM_001256360.2); and 12 more; short protein forms L1908M, L1919M, L1935M, L1942M, L1953M.
Identifiers: ClinVar variation 5037356 (VCV005037356.1).